The following is an entry in ClinVar:

NM_000138.5(FBN1):c.2601dup (p.Gly868fs)

Gene: FBN1 (fibrillin 1; minus strand). Cytogenetic location: 15q21.1.
Variant type: Duplication.
Coding change: c.2601dup on transcript NM_000138.5 (MANE Select); coding-DNA position 2601, one base duplicated (T; older notation c.2601dupT).
Protein change: p.Gly868fs; shifts the reading frame from glycine 868.
Molecular consequence: frameshift variant.
Genome position (GRCh38, 1-based): chr15:48,495,199, A duplicated on the plus strand (T on the coding strand, the reverse complement: FBN1 is on the minus strand). VCF-style (leftmost placement, unchanged base first): chr15-48495198-C-CA. GRCh37 (hg19) VCF-style: chr15-48787395-C-CA.
Other names: pG.868WfsX26; c.2601dupT (NM_000138.4); short protein forms G868fs.
Identifiers: ClinVar variation 200154 (VCV000200154.2), dbSNP rs794728302, ClinGen allele CA304345.

ClinVar aggregate classification (germline): Pathogenic (1 of 4 stars; one submission).

Submission:

GeneDx
Classification: Pathogenic. Last evaluated: 2014-08-06. Review status: criteria provided, single submitter. Criteria: GeneDx Variant Classification (06012015). Collection method: clinical testing. Allele origin: germline. Affected: yes.
Comment: Although the c.2601dupT variant in the FBN1 gene has not been reported to our knowledge, this variant causes a shift in reading frame starting at codon Glycine 868, changing it to a Tryptophan, and creating a premature stop codon at position 26 of the new reading frame, denoted p.Gly868TrpfsX26. This variant is expected to result in either an abnormal, truncated protein product or loss of protein from this allele through nonsense-mediated mRNA decay. Other frameshift variants in the FBN1 gene have been reported in association with Marfan syndrome. In summary, c.2601dupT in the FBN1 gene is interpreted as a pathogenic variant.